The following is an entry in ClinVar:

ClinVar aggregate classification (germline): Pathogenic/Likely pathogenic. Review status: criteria provided, multiple submitters, no conflicts (2 of 4 stars). 2 submissions from 2 submitters: Pathogenic (1); Likely pathogenic (1). Last evaluated 2021-03-22.

Conditions:
GRM6-related disorders.

Allele frequency attached by ClinVar (database versions not stated): gnomAD exomes below 0.00001; TOPMed below 0.00001; ExAC 0.00002.
gnomAD v4.1: 2 of 1,613,966 alleles (0.00012%); highest among the groups gnomAD compares: Admixed American, 0.0033%; no homozygotes.

Submissions (2):

Blueprint Genetics
Classification: Likely pathogenic for GRM6-related disorders. Last evaluated: 2021-03-22. Review status: criteria provided, single submitter. Criteria: ACMG Guidelines, 2015. Collection method: clinical testing. Allele origin: germline. Affected: yes. Observed: 2 variant alleles.

Labcorp Genetics (formerly Invitae), Labcorp
Classification: Pathogenic. Last evaluated: 2017-07-25. Review status: criteria provided, single submitter. Criteria: Invitae Variant Classification Sherloc (09022015). Collection method: clinical testing. Allele origin: germline.
Comment: For these reasons, this variant has been classified as Pathogenic. Loss-of-function variants in GRM6 are known to be pathogenic (PMID: 15781871, 16622103, 22008250). This variant has not been reported in the literature in individuals with GRM6-related disease. The frequency data for this variant in the population databases is considered unreliable, as metrics indicate poor data quality at this position in the ExAC database. This sequence change creates a premature translational stop signal (p.Glu622*) in the GRM6 gene. It is expected to result in an absent or disrupted protein product.

Literature cited by the submitters: PubMed 15781871 (cited by Labcorp Genetics (formerly Invitae), Labcorp); PubMed 16622103 (cited by Labcorp Genetics (formerly Invitae), Labcorp); PubMed 22008250 (cited by Labcorp Genetics (formerly Invitae), Labcorp).

NM_000843.4(GRM6):c.1864G>T (p.Glu622Ter)

Genes: GRM6 (glutamate metabotropic receptor 6; minus strand), ZNF454 (zinc finger protein 454; plus strand). Cytogenetic location: 5q35.3.
Variant type: single nucleotide variant.
Coding change: c.1864G>T on transcript NM_000843.4 (MANE Select); coding-DNA position 1864, G replaced by T.
Protein change: p.Glu622Ter; replaces glutamic acid 622 with a stop codon.
Molecular consequence: nonsense.
Genome position (GRCh38, 1-based): chr5:178,986,390, C>A on the plus strand (G>T on the coding strand, the complement: GRM6 is on the minus strand). VCF-style: chr5-178986390-C-A. GRCh37 (hg19) VCF-style: chr5-178413391-C-A.
Other names: short protein forms E622*.
Identifiers: ClinVar variation 1073858 (VCV001073858.8), dbSNP rs778072582, ClinGen allele CA3593900.